The following is an entry in ClinVar:

NM_015602.4(TOR1AIP1):c.1255G>A (p.Glu419Lys)

Gene: TOR1AIP1 (torsin 1A interacting protein 1; plus strand). Cytogenetic location: 1q25.2.
Variant type: single nucleotide variant.
Coding change: c.1255G>A on transcript NM_015602.4 (MANE Select); coding-DNA position 1255, G replaced by A.
Protein change: p.Glu419Lys; replaces glutamic acid 419 with lysine.
Molecular consequence: missense variant.
Genome position (GRCh38, 1-based): chr1:179,917,742, G>A. VCF-style: chr1-179917742-G-A. GRCh37 (hg19) VCF-style: chr1-179886877-G-A.
Other names: c.1258G>A, p.Glu420Lys (NM_001267578.2); c.1258G>A (NM_001267578.1); short protein forms E419K, E420K.
Identifiers: ClinVar variation 2345462 (VCV002345462.3), dbSNP rs747664520, ClinGen allele CA1269118.

ClinVar aggregate classification (germline): Uncertain significance. Review status: criteria provided, multiple submitters, no conflicts (2 of 4 stars). 2 submissions from 2 submitters: Uncertain significance (2). Last evaluated 2025-03-14.

Conditions:
Inborn genetic diseases. Identifiers: MedGen C0950123, MeSH D030342.

Allele frequency attached by ClinVar (database versions not stated): ExAC 0.00002; gnomAD 0.00002; TOPMed 0.00002.
gnomAD v4.1: 23 of 1,614,058 alleles (0.0014%); highest among the groups gnomAD compares: Admixed American, 0.015%; no homozygotes.

Submissions (2):

GeneDx
Classification: Uncertain significance. Last evaluated: 2025-03-14. Review status: criteria provided, single submitter. Criteria: GeneDx Variant Classification Process June 2021. Collection method: clinical testing. Allele origin: germline. Affected: yes.
Comment: Not observed at significant frequency in large population cohorts (gnomAD); In silico analysis indicates that this missense variant does not alter protein structure/function; Has not been previously published as pathogenic or benign to our knowledge

Ambry Genetics
Classification: Uncertain significance for Inborn genetic diseases. Last evaluated: 2022-09-07. Review status: criteria provided, single submitter. Criteria: Ambry Variant Classification Scheme 2023. Collection method: clinical testing. Allele origin: germline.